The following is an entry in ClinVar:

NM_001845.6(COL4A1):c.3059-11T>G

Gene: COL4A1 (collagen type IV alpha 1 chain; minus strand). Cytogenetic location: 13q34.
Variant type: single nucleotide variant.
Coding change: c.3059-11T>G on transcript NM_001845.6 (MANE Select); 11 bases into the intron before coding-DNA position 3059, T replaced by G.
Molecular consequence: intron variant.
Genome position (GRCh38, 1-based): chr13:110,175,368, A>C on the plus strand (T>G on the coding strand, the complement: COL4A1 is on the minus strand). VCF-style: chr13-110175368-A-C. GRCh37 (hg19) VCF-style: chr13-110827715-A-C.
Identifiers: ClinVar variation 3729780 (VCV003729780.2).

ClinVar aggregate classification (germline): Uncertain significance (1 of 4 stars; one submission).

Submission:

Labcorp Genetics (formerly Invitae), Labcorp
Classification: Uncertain significance. Last evaluated: 2025-01-29. Review status: criteria provided, single submitter. Criteria: Invitae Variant Classification Sherloc (09022015). Collection method: clinical testing. Allele origin: germline.
Comment: This sequence change falls in intron 36 of the COL4A1 gene. It does not directly change the encoded amino acid sequence of the COL4A1 protein. This variant is not present in population databases (gnomAD no frequency). This variant has not been reported in the literature in individuals affected with COL4A1-related conditions. Algorithms developed to predict the effect of sequence changes on RNA splicing suggest that this variant may disrupt the consensus splice site. In summary, the available evidence is currently insufficient to determine the role of this variant in disease. Therefore, it has been classified as a Variant of Uncertain Significance.